The following is an entry in ClinVar:

ClinVar aggregate classification (germline): Uncertain significance (1 of 4 stars; one submission).

Conditions:
POLD1-related polyposis and colorectal cancer syndrome (CRCS10). Also called: Colorectal cancer 10; COLORECTAL CANCER, SUSCEPTIBILITY TO, ON CHROMOSOME 19q; Colorectal cancer, susceptibility to, 10. Identifiers: Orphanet 220460, MedGen C2675481, MONDO:0012953, OMIM 612591.

Submission:

Labcorp Genetics (formerly Invitae), Labcorp
Classification: Uncertain significance for POLD1-related polyposis and colorectal cancer syndrome. Last evaluated: 2024-05-13. Review status: criteria provided, single submitter. Criteria: Invitae Variant Classification Sherloc (09022015). Collection method: clinical testing. Allele origin: germline.
Comment: This sequence change replaces glutamine, which is neutral and polar, with leucine, which is neutral and non-polar, at codon 955 of the POLD1 protein (p.Gln955Leu). This variant is not present in population databases (gnomAD no frequency). This variant has not been reported in the literature in individuals affected with POLD1-related conditions. ClinVar contains an entry for this variant (Variation ID: 537043). Advanced modeling of protein sequence and biophysical properties (such as structural, functional, and spatial information, amino acid conservation, physicochemical variation, residue mobility, and thermodynamic stability) performed at Invitae indicates that this missense variant is not expected to disrupt POLD1 protein function with a negative predictive value of 80%. In summary, the available evidence is currently insufficient to determine the role of this variant in disease. Therefore, it has been classified as a Variant of Uncertain Significance.

NM_002691.4(POLD1):c.2864A>T (p.Gln955Leu)

Gene: POLD1 (DNA polymerase delta 1, catalytic subunit; plus strand). Cytogenetic location: 19q13.33.
Variant type: single nucleotide variant.
Coding change: c.2864A>T on transcript NM_002691.4 (MANE Select); coding-DNA position 2864, A replaced by T.
Protein change: p.Gln955Leu; replaces glutamine 955 with leucine.
Molecular consequence: missense variant. On other transcripts: non-coding transcript variant (1).
Genome position (GRCh38, 1-based): chr19:50,416,439, A>T. VCF-style: chr19-50416439-A-T. GRCh37 (hg19) VCF-style: chr19-50919696-A-T.
Other names: c.2864A>T, p.Gln955Leu (NM_001256849.1); c.2942A>T, p.Gln981Leu (NM_001308632.1); short protein forms Q955L, Q981L.
Identifiers: ClinVar variation 537043 (VCV000537043.8), dbSNP rs1555793307, ClinGen allele CA406986364.